The following is an entry in ClinVar:

NM_001312673.2(PCYT1A):c.58G>A (p.Gly20Arg)

Gene: PCYT1A (phosphate cytidylyltransferase 1A, choline; minus strand). Cytogenetic location: 3q29.
Variant type: single nucleotide variant.
Coding change: c.58G>A on transcript NM_001312673.2 (MANE Select); coding-DNA position 58, G replaced by A.
Protein change: p.Gly20Arg; replaces glycine 20 with arginine.
Molecular consequence: missense variant.
Genome position (GRCh38, 1-based): chr3:196,270,474, C>T on the plus strand (G>A on the coding strand, the complement: PCYT1A is on the minus strand). VCF-style: chr3-196270474-C-T. GRCh37 (hg19) VCF-style: chr3-195997345-C-T.
Other names: c.58G>A, p.Gly20Arg (NM_005017.4); short protein forms G20R.
Identifiers: ClinVar variation 2097580 (VCV002097580.1), dbSNP rs142952629, ClinGen allele CA90807087.

ClinVar aggregate classification (germline): Uncertain significance (1 of 4 stars; one submission).

gnomAD v4.1: 21 of 1,614,044 alleles (0.0013%); highest among the groups gnomAD compares: South Asian, 0.0066%; no homozygotes.

Submission:

Labcorp Genetics (formerly Invitae), Labcorp
Classification: Uncertain significance. Last evaluated: 2022-03-13. Review status: criteria provided, single submitter. Criteria: Invitae Variant Classification Sherloc (09022015). Collection method: clinical testing. Allele origin: germline.
Comment: This sequence change replaces glycine, which is neutral and non-polar, with arginine, which is basic and polar, at codon 20 of the PCYT1A protein (p.Gly20Arg). This variant is present in population databases (no rsID available, gnomAD 0.005%). This variant has not been reported in the literature in individuals affected with PCYT1A-related conditions. Advanced modeling of protein sequence and biophysical properties (such as structural, functional, and spatial information, amino acid conservation, physicochemical variation, residue mobility, and thermodynamic stability) performed at Invitae indicates that this missense variant is not expected to disrupt PCYT1A protein function. In summary, the available evidence is currently insufficient to determine the role of this variant in disease. Therefore, it has been classified as a Variant of Uncertain Significance.